The following is an entry in ClinVar:

NM_006648.4(WNK2):c.2428A>T (p.Ile810Phe)

Gene: WNK2 (WNK lysine deficient protein kinase 2; plus strand). Cytogenetic location: 9q22.31.
Variant type: single nucleotide variant.
Coding change: c.2428A>T on transcript NM_006648.4 (MANE Select); coding-DNA position 2428, A replaced by T.
Protein change: p.Ile810Phe; replaces isoleucine 810 with phenylalanine.
Molecular consequence: missense variant.
Genome position (GRCh38, 1-based): chr9:93,258,976, A>T. VCF-style: chr9-93258976-A-T. GRCh37 (hg19) VCF-style: chr9-96021258-A-T.
Other names: c.2428A>T, p.Ile810Phe (NM_001282394.3); short protein forms I810F.
Identifiers: ClinVar variation 4201880 (VCV004201880.1).

ClinVar aggregate classification (germline): Uncertain significance (1 of 4 stars; one submission).

gnomAD v4.1: 2 of 1,612,310 alleles (0.00012%); highest among the groups gnomAD compares: Non-Finnish European, 0.00017%; no homozygotes.

Submission:

Ambry Genetics
Classification: Uncertain significance. Last evaluated: 2025-09-07. Review status: criteria provided, single submitter. Criteria: Ambry Variant Classification Scheme 2023. Collection method: clinical testing. Allele origin: germline.
Comment: The p.I810F variant (also known as c.2428A>T), located in coding exon 11 of the WNK2 gene, results from an A to T substitution at nucleotide position 2428. The isoleucine at codon 810 is replaced by phenylalanine, an amino acid with highly similar properties. This amino acid position is conserved. In addition, this alteration is predicted to be tolerated by in silico analysis. Based on the available evidence, the clinical significance of this variant remains unclear.